The following is an entry in ClinVar:

NM_007294.4(BRCA1):c.5388A>G (p.Ser1796=)

Gene: BRCA1 (BRCA1 DNA repair associated; minus strand). Cytogenetic location: 17q21.31.
Variant type: single nucleotide variant.
Coding change: c.5388A>G on transcript NM_007294.4 (MANE Select); coding-DNA position 5388, A replaced by G.
Protein change: p.Ser1796=; no amino-acid change (serine 1796 retained).
Molecular consequence: synonymous variant. On other transcripts: intron variant (19).
Genome position (GRCh38, 1-based): chr17:43,049,139, T>C on the plus strand (A>G on the coding strand, the complement: BRCA1 is on the minus strand). VCF-style: chr17-43049139-T-C. GRCh37 (hg19) VCF-style: chr17-41201156-T-C.
Other names: c.5262A>G, p.Ser1754= (NM_001407675.1, NM_001407676.1, NM_001407677.1 and 8 more transcripts); c.5259A>G, p.Ser1753= (NM_001407681.1, NM_001407682.1, NM_001407683.1 and 5 more transcripts); c.5256A>G, p.Ser1752= (NM_001407690.1, NM_001407691.1); c.5247A>G, p.Ser1749= (NM_001407692.1, NM_001407694.1, NM_001407695.1 and 12 more transcripts); c.5244A>G, p.Ser1748= (NM_001407732.1, NM_001407733.1, NM_001407734.1 and 18 more transcripts); c.5241A>G, p.Ser1747= (NM_001407838.1, NM_001407839.1, NM_001407841.1 and 12 more transcripts); c.5175A>G, p.Ser1725= (NM_001407571.1, NM_001407894.1, NM_001407895.1 and 12 more transcripts); c.5454A>G, p.Ser1818= (NM_001407581.1, NM_001407582.1); and 84 more.
Identifiers: ClinVar variation 184087 (VCV000184087.26), dbSNP rs373810778, ClinGen allele CA003547.

ClinVar aggregate classification (germline): Likely benign. Review status: reviewed by expert panel (3 of 4 stars). 7 submissions from 7 submitters: Likely benign (1). 6 of the submissions do not count toward it. Last evaluated 2017-06-29.

Conditions:
Hereditary breast ovarian cancer syndrome. Also called: Hereditary breast and ovarian cancer syndrome; Hereditary breast and ovarian cancer syndrome (HBOC); BRCA1- and BRCA2-Associated Hereditary Breast and Ovarian Cancer; Breast and ovarian cancer; Hereditary breast and ovarian cancer; Hereditary breast and/or ovarian cancer syndrome. Identifiers: Orphanet 145, MedGen C0677776, MeSH D061325, MONDO:0003582. Disease mechanism: loss of function.
Breast-ovarian cancer, familial, susceptibility to, 1 (BROVCA1). Also called: OVARIAN CANCER, SUSCEPTIBILITY TO; BRCA1 Hereditary Breast and Ovarian Cancer. Identifiers: Orphanet 145, MedGen C2676676, MONDO:0011450, OMIM 604370. Disease mechanism: loss of function.
BRCA1-related cancer predisposition. Identifiers: MedGen CN377757, MONDO:0700268.
Hereditary cancer-predisposing syndrome. Also called: Hereditary Cancer Syndrome; Hereditary neoplastic syndrome; Tumor predisposition; Neoplastic Syndromes, Hereditary. Identifiers: Orphanet 140162, MedGen C0027672, MeSH D009386, MONDO:0015356.

Allele frequency attached by ClinVar (database versions not stated): gnomAD below 0.00001 and 0.00001; gnomAD exomes below 0.00001 and 0.00001; TOPMed below 0.00001; ExAC 0.00001; 1000 Genomes Project 30x 0.00016; 1000 Genomes Project 0.00020.
gnomAD v4.1: 4 of 1,614,126 alleles (0.00025%); highest among the groups gnomAD compares: East Asian, 0.0022%; no homozygotes.

Submissions (8):

Evidence-based Network for the Interpretation of Germline Mutant Alleles (ENIGMA)
Classification: Likely benign for Breast-ovarian cancer, familial, susceptibility to, 1. Last evaluated: 2017-06-29. Review status: reviewed by expert panel. Criteria: ENIGMA BRCA1/2 Classification Criteria (2017-06-29). Collection method: curation. Allele origin: germline.
Comment: Synonymous substitution variant, with low bioinformatic likelihood to result in a splicing aberration (Splicing prior probability 0.02).

Labcorp Genetics (formerly Invitae), Labcorp
Classification: Likely benign for Hereditary breast ovarian cancer syndrome. Last evaluated: 2025-10-27. Review status: criteria provided, single submitter. Criteria: Invitae Variant Classification Sherloc (09022015). Collection method: clinical testing. Allele origin: germline. Not counted in ClinVar's aggregate classification.

Quest Diagnostics Nichols Institute San Juan Capistrano
Classification: Benign. Last evaluated: 2025-04-01. Review status: criteria provided, single submitter. Criteria: Quest Diagnostics criteria. Collection method: clinical testing. Allele origin: unknown. Not counted in ClinVar's aggregate classification.

All of Us Research Program, National Institutes of Health
Classification: Likely benign for BRCA1-related cancer predisposition. Last evaluated: 2024-06-09. Review status: criteria provided, single submitter. Criteria: ACMG Guidelines, 2015. Collection method: clinical testing. Allele origin: germline. Inheritance: Autosomal dominant inheritance. Observed: 1 variant allele, 1 heterozygote. Not counted in ClinVar's aggregate classification.
Comment: This study involves interpretation of variants in research participants for the purpose of population health screening. Participant phenotype was not available at the time of variant classification. Additional details can be found in publication PMID: 35346344, PMCID: PMC8962531

Color Diagnostics, LLC DBA Color Health
Classification: Likely benign for Hereditary cancer-predisposing syndrome. Last evaluated: 2024-04-03. Review status: criteria provided, single submitter. Criteria: ACMG Guidelines, 2015. Collection method: clinical testing. Allele origin: germline. Not counted in ClinVar's aggregate classification.

Women's Health and Genetics/Laboratory Corporation of America, LabCorp
Classification: Likely benign. Last evaluated: 2018-12-04. Review status: criteria provided, single submitter. Criteria: LabCorp Variant Classification Summary - May 2015. Collection method: clinical testing. Allele origin: germline. Not counted in ClinVar's aggregate classification.
Comment: Variant summary: BRCA1 c.5388A>G alters a non-conserved nucleotide resulting in a synonymous change. 5/5 computational tools predict no significant impact on normal splicing. However, these predictions have yet to be confirmed by functional studies. The variant allele was found at a frequency of 1.2e-05 in 246234 control chromosomes. The available data on variant occurrences in the general population are insufficient to allow any conclusion about variant significance. To our knowledge, no occurrence of c.5388A>G in individuals affected with Hereditary Breast and Ovarian Cancer has been reported. At least one publication reports experimental evidence evaluating an impact on protein function. These results showed no damaging effect of this variant. Two clinical diagnostic laboratories have submitted clinical-significance assessments for this variant to ClinVar after 2014 without evidence for independent evaluation. Both laboratories classified the variant as likely benign. Based on the evidence outlined above, the variant was classified as likely benign.

Ambry Genetics
Classification: Likely benign for Hereditary cancer-predisposing syndrome. Last evaluated: 2014-12-16. Review status: criteria provided, single submitter. Criteria: Ambry Variant Classification Scheme 2023. Collection method: clinical testing. Allele origin: germline. Not counted in ClinVar's aggregate classification.

Brotman Baty Institute, University of Washington
No classification provided (evidence only). Condition: Breast-ovarian cancer, familial 1. Review status: no classification provided. Collection method: in vitro. Allele origin: not applicable. Functional consequence: functionally_normal. Not counted in ClinVar's aggregate classification.
ClinVar note: "not provided" was previously submitted as the classification for the variant. However, the classification appeared to be based only on an observation of functional data so it was converted to no classification on 2025-07-30.

Literature cited by the submitters: PubMed 30209399 (cited by Quest Diagnostics Nichols Institute San Juan Capistrano and Women's Health and Genetics/Laboratory Corporation of America, LabCorp).